The following is an entry in ClinVar:

NM_001244008.2(KIF1A):c.829A>C (p.Thr277Pro)

Gene: KIF1A (kinesin family member 1A; minus strand). Cytogenetic location: 2q37.3.
Variant type: single nucleotide variant.
Coding change: c.829A>C on transcript NM_001244008.2 (MANE Select); coding-DNA position 829, A replaced by C.
Protein change: p.Thr277Pro; replaces threonine 277 with proline.
Molecular consequence: missense variant.
Genome position (GRCh38, 1-based): chr2:240,783,079, T>G on the plus strand (A>C on the coding strand, the complement: KIF1A is on the minus strand). VCF-style: chr2-240783079-T-G. GRCh37 (hg19) VCF-style: chr2-241722496-T-G.
Other names: c.829A>C, p.Thr277Pro (NM_001320705.2, NM_001330289.2, NM_001330290.2 and 20 more transcripts); short protein forms T277P.
Identifiers: ClinVar variation 245961 (VCV000245961.2), dbSNP rs879254017, ClinGen allele CA10584197.

ClinVar aggregate classification (germline): Likely pathogenic (1 of 4 stars; one submission).

Submission:

GeneDx
Classification: Likely pathogenic. Last evaluated: 2015-09-29. Review status: criteria provided, single submitter. Criteria: GeneDx Variant Classification (06012015). Collection method: clinical testing. Allele origin: germline. Affected: yes.
Comment: The T277P variant in the KIF1A gene has not been published as a pathogenic variant, nor has it been reported as a benign polymorphism to our knowledge. The T277P variant was not observed in approximately 6200 individuals of European and African American ancestry in the NHLBI Exome Sequencing Project, indicating it is not a common benign variant in these populations. The T277P variant is a non-conservative amino acid substitution, which is likely to impact secondary protein structure as these residues differ in polarity, charge, size and/or other properties. This substitution occurs at a position within the kinesin motor domain that is conserved across species. In silico analysis predicts this variant is probably damaging to the protein structure/function. The T277P variant is a strong candidate for a pathogenic variant, however the possibility it may be a rare benign variant cannot be excluded.